The following is an entry in ClinVar:

NM_181303.2(NLGN3):c.388G>A (p.Val130Ile)

Gene: NLGN3 (neuroligin 3; plus strand). Cytogenetic location: Xq13.1.
Variant type: single nucleotide variant.
Coding change: c.388G>A on transcript NM_181303.2 (MANE Select); coding-DNA position 388, G replaced by A.
Protein change: p.Val130Ile; replaces valine 130 with isoleucine.
Molecular consequence: missense variant.
Genome position (GRCh38, 1-based): chrX:71,148,137, G>A. VCF-style: chrX-71148137-G-A. GRCh37 (hg19) VCF-style: chrX-70367987-G-A.
Other names: c.388G>A, p.Val130Ile (NM_001166660.2, NM_018977.4); c.37G>A, p.Val13Ile (NM_001321276.2); short protein forms V130I, V13I.
Identifiers: ClinVar variation 2660856 (VCV002660856.24), dbSNP rs1455784828, ClinGen allele CA413548712.

ClinVar aggregate classification (germline): Uncertain significance (1 of 4 stars; one submission).

Allele frequency attached by ClinVar (database versions not stated): gnomAD exomes 0.00001; TOPMed 0.00003.
gnomAD v4.1: 14 of 1,210,856 alleles (0.0012%); highest among the groups gnomAD compares: Middle Eastern, 0.069%; 1 homozygote.

Submission:

CeGaT Center for Human Genetics Tuebingen
Classification: Uncertain significance. Last evaluated: 2022-07-01. Review status: criteria provided, single submitter. Criteria: CeGaT Center For Human Genetics Tuebingen Variant Classification Criteria Version 2. Collection method: clinical testing. Allele origin: germline. Affected: yes. Observed: 1 variant allele.
Comment: NLGN3: PM2